The following is an entry in ClinVar:

ClinVar aggregate classification (germline): Uncertain significance (1 of 4 stars; one submission).

Submission:

Dasa
Classification: Uncertain significance. Last evaluated: 2025-09-15. Review status: criteria provided, single submitter. Criteria: DASA Assertion Criteria. Collection method: clinical testing. Allele origin: germline.
Comment: NM_003031.4(SIAH1):c.344C>G (p.Ala115Gly) is a missense variant that results in the substitution of alanine with glycine. This variant is absent from population databases. The currently available literature and clinical evidence are not sufficient to establish a definitive association between this variant and the reported condition. Therefore, this variant is classified as a variant of uncertain significance.

NM_003031.4(SIAH1):c.344C>G (p.Ala115Gly)

Genes: LONP2 (lon peptidase 2, peroxisomal; plus strand), SIAH1 (siah E3 ubiquitin protein ligase 1; minus strand). Cytogenetic location: 16q12.1.
Variant type: single nucleotide variant.
Coding change: c.344C>G on transcript NM_003031.4 (MANE Select); coding-DNA position 344, C replaced by G.
Protein change: p.Ala115Gly; replaces alanine 115 with glycine.
Molecular consequence: missense variant. On other transcripts: 3 prime UTR variant (1).
Genome position (GRCh38, 1-based): chr16:48,362,085, G>C on the plus strand (C>G on the coding strand, the complement: SIAH1 is on the minus strand). VCF-style: chr16-48362085-G-C. GRCh37 (hg19) VCF-style: chr16-48395996-G-C.
Other names: c.437C>G, p.Ala146Gly (NM_001006610.2); c.*489G>C (NM_001348078.2); short protein forms A115G, A146G.
Identifiers: ClinVar variation 4885955 (VCV004885955.2).